The following is an entry in ClinVar:

ClinVar aggregate classification (germline): Benign (1 of 4 stars; one submission).

Conditions:
Hereditary spastic paraplegia 30. Identifiers: Orphanet 101010, MedGen C5235139, MONDO:0012476.

Allele frequency attached by ClinVar (database versions not stated): gnomAD exomes 0.01087; gnomAD 0.05154 and 0.05334; TOPMed 0.06803; 1000 Genomes Project 30x 0.10540; 1000 Genomes Project 0.10583.
gnomAD v4.1: 8,066 of 151,986 alleles (5.3%); highest among the groups gnomAD compares: Admixed American, 23%; 756 homozygotes.

Submission:

Illumina Laboratory Services, Illumina
Classification: Benign for Spastic paraplegia 30A, autosomal dominant. Last evaluated: 2018-01-13. Review status: criteria provided, single submitter. Criteria: ICSL Variant Classification Criteria 13 December 2019. Collection method: clinical testing. Allele origin: germline.
Comment: This variant was observed in the ICSL laboratory as part of a predisposition screen in an ostensibly healthy population. It had not been previously curated by ICSL or reported in the Human Gene Mutation Database (HGMD: prior to June 1st, 2018), and was therefore a candidate for classification through an automated scoring system. Utilizing variant allele frequency, disease prevalence and penetrance estimates, and inheritance mode, an automated score was calculated to assess if this variant is too frequent to cause the disease. Based on the score and internal cut-off values, a variant classified as benign is not then subjected to further curation. The score for this variant resulted in a classification of benign for this disease.

NM_001244008.2(KIF1A):c.*1187C>T

Gene: KIF1A (kinesin family member 1A; minus strand). Cytogenetic location: 2q37.3.
Variant type: single nucleotide variant.
Coding change: c.*1187C>T on transcript NM_001244008.2 (MANE Select); 1187 bases downstream of the stop codon, C replaced by T.
Molecular consequence: 3 prime UTR variant.
Genome position (GRCh38, 1-based): chr2:240,716,177, G>A on the plus strand (C>T on the coding strand, the complement: KIF1A is on the minus strand). VCF-style: chr2-240716177-G-A. GRCh37 (hg19) VCF-style: chr2-241655594-G-A.
Other names: c.*1187C>T (NM_001320705.2, NM_001330289.2, NM_001330290.2 and 20 more transcripts).
Identifiers: ClinVar variation 335242 (VCV000335242.5), dbSNP rs3732342, ClinGen allele CA10612897.